The following is an entry in ClinVar:

ClinVar aggregate classification (germline): Uncertain significance. Review status: criteria provided, multiple submitters, no conflicts (2 of 4 stars). 3 submissions from 3 submitters: Uncertain significance (3). Last evaluated 2024-09-26.

Conditions:
Inborn genetic diseases. Identifiers: MedGen C0950123, MeSH D030342.

Allele frequency attached by ClinVar (database versions not stated): TOPMed 0.00001.

Submissions (3):

Ambry Genetics
Classification: Uncertain significance for Inborn genetic diseases. Last evaluated: 2024-09-26. Review status: criteria provided, single submitter. Criteria: Ambry Variant Classification Scheme 2023. Collection method: clinical testing. Allele origin: germline.

Labcorp Genetics (formerly Invitae), Labcorp
Classification: Uncertain significance. Last evaluated: 2022-08-09. Review status: criteria provided, single submitter. Criteria: Invitae Variant Classification Sherloc (09022015). Collection method: clinical testing. Allele origin: germline.
Comment: This sequence change replaces glycine, which is neutral and non-polar, with valine, which is neutral and non-polar, at codon 308 of the ADAM9 protein (p.Gly308Val). This variant is not present in population databases (gnomAD no frequency). This variant has not been reported in the literature in individuals affected with ADAM9-related conditions. Algorithms developed to predict the effect of missense changes on protein structure and function are either unavailable or do not agree on the potential impact of this missense change (SIFT: "Deleterious"; PolyPhen-2: "Probably Damaging"; Align-GVGD: "Class C15"). In summary, the available evidence is currently insufficient to determine the role of this variant in disease. Therefore, it has been classified as a Variant of Uncertain Significance.

Blueprint Genetics
Classification: Uncertain significance. Last evaluated: 2019-12-18. Review status: criteria provided, single submitter. Criteria: ACMG Guidelines, 2015. Collection method: clinical testing. Allele origin: germline.

NM_003816.3(ADAM9):c.923G>T (p.Gly308Val)

Gene: ADAM9 (ADAM metallopeptidase domain 9; plus strand). Cytogenetic location: 8p11.22.
Variant type: single nucleotide variant.
Coding change: c.923G>T on transcript NM_003816.3 (MANE Select); coding-DNA position 923, G replaced by T.
Protein change: p.Gly308Val; replaces glycine 308 with valine.
Molecular consequence: missense variant. On other transcripts: non-coding transcript variant (3).
Genome position (GRCh38, 1-based): chr8:39,025,811, G>T. VCF-style: chr8-39025811-G-T. GRCh37 (hg19) VCF-style: chr8-38883330-G-T.
Other names: c.923G>T (NM_003816.2); short protein forms G308V.
Identifiers: ClinVar variation 2087141 (VCV002087141.6), dbSNP rs1160323386, ClinGen allele CA370754383.